The following is an entry in ClinVar:

NM_000784.4(CYP27A1):c.1256C>T (p.Pro419Leu)

Gene: CYP27A1 (cytochrome P450 family 27 subfamily A member 1; plus strand). Cytogenetic location: 2q35.
Variant type: single nucleotide variant.
Coding change: c.1256C>T on transcript NM_000784.4 (MANE Select); coding-DNA position 1256, C replaced by T.
Protein change: p.Pro419Leu; replaces proline 419 with leucine.
Molecular consequence: missense variant.
Genome position (GRCh38, 1-based): chr2:218,814,451, C>T. VCF-style: chr2-218814451-C-T. GRCh37 (hg19) VCF-style: chr2-219679174-C-T.
Other names: short protein forms P419L.
Identifiers: ClinVar variation 4751194 (VCV004751194.1).

ClinVar aggregate classification (germline): Uncertain significance (1 of 4 stars; one submission).

Conditions:
Cholestanol storage disease (CTX). Also called: Cerebrotendinous Xanthomatosis; CTX: Cerebrotendinous xanthomatosis; CEREBRAL CHOLESTERINOSIS. Identifiers: Orphanet 909, MedGen C0238052, MONDO:0008948, OMIM 213700.

gnomAD v4.1: 2 of 1,614,260 alleles (0.00012%); highest among the groups gnomAD compares: Non-Finnish European, 0.00017%; no homozygotes.

Submission:

Labcorp Genetics (formerly Invitae), Labcorp
Classification: Uncertain significance for Cholestanol storage disease. Last evaluated: 2025-12-30. Review status: criteria provided, single submitter. Criteria: Invitae Variant Classification Sherloc (09022015). Collection method: clinical testing. Allele origin: germline.
Comment: This sequence change replaces proline, which is neutral and non-polar, with leucine, which is neutral and non-polar, at codon 419 of the CYP27A1 protein (p.Pro419Leu). This variant is not present in population databases (gnomAD no frequency). This variant has not been reported in the literature in individuals affected with CYP27A1-related conditions. Invitae Evidence Modeling of protein sequence and biophysical properties (such as structural, functional, and spatial information, amino acid conservation, physicochemical variation, residue mobility, and thermodynamic stability) has been performed for this missense variant. However, the output from this modeling did not meet the statistical confidence thresholds required to predict the impact of this variant on CYP27A1 protein function. In summary, the available evidence is currently insufficient to determine the role of this variant in disease. Therefore, it has been classified as a Variant of Uncertain Significance.